The following is an entry in ClinVar:

NM_000179.3(MSH6):c.3030T>C (p.Thr1010=)

Gene: MSH6 (mutS homolog 6; plus strand). Cytogenetic location: 2p16.3.
Variant type: single nucleotide variant.
Coding change: c.3030T>C on transcript NM_000179.3 (MANE Select); coding-DNA position 3030, T replaced by C.
Protein change: p.Thr1010=; no amino-acid change (threonine 1010 retained).
Molecular consequence: synonymous variant.
Genome position (GRCh38, 1-based): chr2:47,801,013, T>C. VCF-style: chr2-47801013-T-C. GRCh37 (hg19) VCF-style: chr2-48028152-T-C.
Other names: c.2640T>C, p.Thr880= (NM_001281492.2); c.2124T>C, p.Thr708= (NM_001281493.2, NM_001281494.2).
Identifiers: ClinVar variation 416165 (VCV000416165.16), dbSNP rs1060504753, ClinGen allele CA16610934.

ClinVar aggregate classification (germline): Benign/Likely benign. Review status: criteria provided, multiple submitters, no conflicts (2 of 4 stars). 5 submissions from 5 submitters: Benign (1); Likely benign (4). Last evaluated 2025-10-09.

Conditions:
Hereditary cancer-predisposing syndrome. Also called: Tumor predisposition; Neoplastic Syndromes, Hereditary; Hereditary neoplastic syndrome; Hereditary Cancer Syndrome. Identifiers: Orphanet 140162, MedGen C0027672, MeSH D009386, MONDO:0015356.
Hereditary nonpolyposis colorectal neoplasms. Identifiers: MedGen C0009405, MeSH D003123.
Lynch syndrome. Identifiers: Orphanet 144, MedGen C4552100, MONDO:0005835. Disease mechanism: loss of function.
Lynch syndrome 5 (LYNCH5). Also called: Colorectal cancer, hereditary nonpolyposis, type 5; Hereditary non-polyposis colorectal cancer, type 5. Identifiers: Orphanet 144, MedGen C1833477, MONDO:0013710, OMIM 614350. Disease mechanism: loss of function.

Allele frequency attached by ClinVar (database versions not stated): gnomAD exomes below 0.00001.
gnomAD v4.1: 1 of 1,571,994 alleles (0.000064%); highest among the groups gnomAD compares: Non-Finnish European, 0.000086%; no homozygotes.

Submissions (5):

Labcorp Genetics (formerly Invitae), Labcorp
Classification: Likely benign for Hereditary nonpolyposis colorectal neoplasms. Last evaluated: 2025-10-09. Review status: criteria provided, single submitter. Criteria: Invitae Variant Classification Sherloc (09022015). Collection method: clinical testing. Allele origin: germline.

Myriad Genetics, Inc.
Classification: Benign for Lynch syndrome 5. Last evaluated: 2025-01-02. Review status: criteria provided, single submitter. Criteria: Myriad Autosomal Dominant, Autosomal Recessive and X-Linked Classification Criteria (2023). Collection method: clinical testing. Allele origin: unknown.
Comment: This variant is considered benign. This variant is a silent/synonymous amino acid change and it is not expected to impact splicing.

All of Us Research Program, National Institutes of Health
Classification: Likely benign for Lynch syndrome. Last evaluated: 2023-05-04. Review status: criteria provided, single submitter. Criteria: ACMG Guidelines, 2015. Collection method: clinical testing. Allele origin: germline. Inheritance: Autosomal dominant inheritance. Observed: 1 variant allele, 1 heterozygote.
Comment: This study involves interpretation of variants in research participants for the purpose of population health screening. Participant phenotype was not available at the time of variant classification. Additional details can be found in publication PMID: 35346344, PMCID: PMC8962531

Ambry Genetics
Classification: Likely benign for Hereditary cancer-predisposing syndrome. Last evaluated: 2020-04-13. Review status: criteria provided, single submitter. Criteria: Ambry Variant Classification Scheme 2023. Collection method: clinical testing. Allele origin: germline.

GeneDx
Classification: Likely benign. Last evaluated: 2017-10-03. Review status: criteria provided, single submitter. Criteria: GeneDx Variant Classification (06012015). Collection method: clinical testing. Allele origin: germline. Affected: yes.
Comment: This variant is considered likely benign or benign based on one or more of the following criteria: it is a conservative change, it occurs at a poorly conserved position in the protein, it is predicted to be benign by multiple in silico algorithms, and/or has population frequency not consistent with disease.